The following is an entry in ClinVar:

ClinVar aggregate classification (germline): Likely pathogenic (1 of 4 stars; one submission).

Conditions:
Walker-Warburg congenital muscular dystrophy. Also called: Muscular dystrophy-dystroglycanopathy, type A; Walker-Warburg syndrome. Identifiers: Orphanet 899, MedGen C0265221, MONDO:0000171.
Muscular dystrophy-dystroglycanopathy (congenital with impaired intellectual development), type B, 1. Also called: MUSCULAR DYSTROPHY, CONGENITAL, POMT1-RELATED; Muscular dystrophy-dystroglycanopathy (congenital with intellectual disability), type B1. Identifiers: MedGen C5436962, MONDO:0013159, OMIM 613155.
Autosomal recessive limb-girdle muscular dystrophy type 2K. Also called: MUSCULAR DYSTROPHY-DYSTROGLYCANOPATHY (LIMB-GIRDLE), TYPE C, 1; MUSCULAR DYSTROPHY, LIMB-GIRDLE, TYPE 2K. Identifiers: Orphanet 86812, MedGen C1836373, MONDO:0012248, OMIM 609308.

Submission:

Labcorp Genetics (formerly Invitae), Labcorp
Classification: Likely pathogenic for Muscular dystrophy-dystroglycanopathy (congenital with impaired intellectual development), type B, 1; Walker-Warburg congenital muscular dystrophy; Autosomal recessive limb-girdle muscular dystrophy type 2K. Last evaluated: 2023-03-18. Review status: criteria provided, single submitter. Criteria: Invitae Variant Classification Sherloc (09022015). Collection method: clinical testing. Allele origin: germline.
Comment: This sequence change affects an acceptor splice site in intron 13 of the POMT1 gene. It is expected to disrupt RNA splicing. Variants that disrupt the donor or acceptor splice site typically lead to a loss of protein function (PMID: 16199547), and loss-of-function variants in POMT1 are known to be pathogenic (PMID: 12369018, 15637732, 16575835). This variant is not present in population databases (gnomAD no frequency). This variant has not been reported in the literature in individuals affected with POMT1-related conditions. Algorithms developed to predict the effect of sequence changes on RNA splicing suggest that this variant may disrupt the consensus splice site. In summary, the currently available evidence indicates that the variant is pathogenic, but additional data are needed to prove that conclusively. Therefore, this variant has been classified as Likely Pathogenic.

Literature cited by the submitters: PubMed 16199547; PubMed 12369018; PubMed 15637732; PubMed 16575835.

NM_001077365.2(POMT1):c.1273-2A>G

Gene: POMT1 (protein O-mannosyltransferase 1; plus strand). Cytogenetic location: 9q34.13.
Variant type: single nucleotide variant.
Coding change: c.1273-2A>G on transcript NM_001077365.2 (MANE Select); the canonical splice acceptor site of the intron before coding-DNA position 1273, A replaced by G.
Molecular consequence: splice acceptor variant.
Genome position (GRCh38, 1-based): chr9:131,518,443, A>G. VCF-style: chr9-131518443-A-G. GRCh37 (hg19) VCF-style: chr9-134393830-A-G.
Other names: c.1177-2A>G (NM_001353198.2, NM_001353197.2); c.1339-2A>G (NM_001353193.2, NM_007171.4); c.1273-2A>G (NM_001136113.2, NM_001374690.1); c.1111-2A>G (NM_001353194.2, NM_001077366.2); c.922-2A>G (NM_001374691.1, NM_001353195.2, NM_001374692.1 and 2 more transcripts); c.1183-2A>G (NM_001353196.2); c.883-2A>G (NM_001374695.1); c.1261-2A>G (NM_001374689.1); and 3 more.
Identifiers: ClinVar variation 2945212 (VCV002945212.3), dbSNP rs2539363727, ClinGen allele CA375311038.
Genomic context (GRCh38, chr9:131,518,443, plus strand): 5'-TATTTTTACATTGAAGGAAATTTGAAAAGGAATGAAATAATCCTTGAGATGTCTTTTTGC[A>G]GGAAATTGTGAACAGAGGATCTGACACAGACGTCTGGAAGACCATCCTCTCAGAGGTCCG-3'